The following is an entry in ClinVar:

ClinVar aggregate classification (germline): Conflicting classifications of pathogenicity. Review status: criteria provided, conflicting classifications (1 of 4 stars). 4 submissions from 4 submitters: Uncertain significance (1); Likely benign (3). Last evaluated 2026-07-29.

Conditions:
TNXB-related disorder. Also called: TNXB-related condition.
Ehlers-Danlos syndrome (EDS). Identifiers: Orphanet 98249, MedGen C0013720, MONDO:0020066.

Allele frequency attached by ClinVar (database versions not stated): gnomAD 0.00003 and 0.00004; gnomAD exomes 0.00003 and 0.00005; TOPMed 0.00005; ExAC 0.00006; 1000 Genomes Project 30x 0.00031; 1000 Genomes Project 0.00040.
gnomAD v4.1: 43 of 1,612,314 alleles (0.0027%); highest among the groups gnomAD compares: Middle Eastern, 0.017%; no homozygotes.

Submissions (4):

PreventionGenetics, part of Exact Sciences
Classification: Likely benign for TNXB-related condition. Last evaluated: 2026-07-29. Review status: criteria provided, single submitter. Criteria: ACMG Guidelines, 2015. Collection method: clinical testing. Allele origin: germline.
Comment: This variant is classified as likely benign based on ACMG/AMP sequence variant interpretation guidelines (Richards et al. 2015 PMID: 25741868, with internal and published modifications).

Women's Health and Genetics/Laboratory Corporation of America, LabCorp
Classification: Likely benign. Last evaluated: 2026-04-14. Review status: criteria provided, single submitter. Criteria: LabCorp Variant Classification Summary - May 2015. Collection method: clinical testing. Allele origin: germline.

Blueprint Genetics
Classification: Likely benign. Last evaluated: 2023-12-29. Review status: criteria provided, single submitter. Criteria: ACMG Guidelines, 2015. Collection method: clinical testing. Allele origin: germline.

Genome Diagnostics Laboratory, The Hospital for Sick Children
Classification: Uncertain significance for Ehlers-Danlos syndrome. Last evaluated: 2020-10-30. Review status: criteria provided, single submitter. Criteria: ACMG Guidelines, 2015. Collection method: clinical testing. Allele origin: germline.

NM_001365276.2(TNXB):c.9474T>G (p.Thr3158=)

Gene: TNXB (tenascin XB; minus strand). Cytogenetic location: 6p21.33.
Variant type: single nucleotide variant.
Coding change: c.9474T>G on transcript NM_001365276.2 (MANE Select); coding-DNA position 9474, T replaced by G.
Protein change: p.Thr3158=; no amino-acid change (threonine 3158 retained).
Molecular consequence: synonymous variant.
Genome position (GRCh38, 1-based): chr6:32,049,553, A>C on the plus strand (T>G on the coding strand, the complement: TNXB is on the minus strand). VCF-style: chr6-32049553-A-C. GRCh37 (hg19) VCF-style: chr6-32017330-A-C.
Other names: c.9468T>G, p.Thr3156= (NM_019105.8).
Identifiers: ClinVar variation 1702358 (VCV001702358.6), dbSNP rs528915277, ClinGen allele CA3733511.